The following is an entry in ClinVar:

ClinVar aggregate classification (germline): Likely benign (1 of 4 stars; one submission).

Allele frequency attached by ClinVar (database versions not stated): gnomAD exomes below 0.00001.
gnomAD v4.1: 2 of 1,612,046 alleles (0.00012%); highest among the groups gnomAD compares: Non-Finnish European, 0.00017%; no homozygotes.

Submission:

GeneDx
Classification: Likely benign. Last evaluated: 2017-04-05. Review status: criteria provided, single submitter. Criteria: GeneDx Variant Classification (06012015). Collection method: clinical testing. Allele origin: germline. Affected: yes.
Comment: This variant is considered likely benign or benign based on one or more of the following criteria: it is a conservative change, it occurs at a poorly conserved position in the protein, it is predicted to be benign by multiple in silico algorithms, and/or has population frequency not consistent with disease.

NM_199069.2(NDUFAF3):c.87G>T (p.Arg29=)

Genes: NDUFAF3 (NADH:ubiquinone oxidoreductase complex assembly factor 3; plus strand), LOC129936730 (ATAC-STARR-seq lymphoblastoid silent region 14350; plus strand). Cytogenetic location: 3p21.31.
Variant type: single nucleotide variant.
Coding change: c.87G>T on transcript NM_199069.2 (MANE Select); coding-DNA position 87, G replaced by T.
Protein change: p.Arg29=; no amino-acid change (arginine 29 retained).
Molecular consequence: synonymous variant. On other transcripts: 5 prime UTR variant (3).
Genome position (GRCh38, 1-based): chr3:49,022,355, G>T. VCF-style: chr3-49022355-G-T. GRCh37 (hg19) VCF-style: chr3-49059788-G-T.
Other names: c.-85G>T (NM_199070.2, NM_199073.2, NM_199074.2).
Identifiers: ClinVar variation 508308 (VCV000508308.1), dbSNP rs1553735104, ClinGen allele CA433628892.